The following is an entry in ClinVar:

NM_001369.3(DNAH5):c.854C>G (p.Ala285Gly)

Gene: DNAH5 (dynein axonemal heavy chain 5; minus strand). Cytogenetic location: 5p15.2.
Variant type: single nucleotide variant.
Coding change: c.854C>G on transcript NM_001369.3 (MANE Select); coding-DNA position 854, C replaced by G.
Protein change: p.Ala285Gly; replaces alanine 285 with glycine.
Molecular consequence: missense variant.
Genome position (GRCh38, 1-based): chr5:13,919,297, G>C on the plus strand (C>G on the coding strand, the complement: DNAH5 is on the minus strand). VCF-style: chr5-13919297-G-C. GRCh37 (hg19) VCF-style: chr5-13919406-G-C.
Other names: short protein forms A285G.
Identifiers: ClinVar variation 1904930 (VCV001904930.5), dbSNP rs748080642, ClinGen allele CA359219160.

ClinVar aggregate classification (germline): Uncertain significance (1 of 4 stars; one submission).

Conditions:
Primary ciliary dyskinesia. Also called: Ciliary dyskinesia. Identifiers: Orphanet 244, MedGen C0008780, MONDO:0016575, HP:0012265.

Submission:

Labcorp Genetics (formerly Invitae), Labcorp
Classification: Uncertain significance for Primary ciliary dyskinesia. Last evaluated: 2022-08-23. Review status: criteria provided, single submitter. Criteria: Invitae Variant Classification Sherloc (09022015). Collection method: clinical testing. Allele origin: germline.
Comment: This variant has not been reported in the literature in individuals affected with DNAH5-related conditions. This variant is not present in population databases (gnomAD no frequency). This sequence change replaces alanine, which is neutral and non-polar, with glycine, which is neutral and non-polar, at codon 285 of the DNAH5 protein (p.Ala285Gly). In summary, the available evidence is currently insufficient to determine the role of this variant in disease. Therefore, it has been classified as a Variant of Uncertain Significance. Advanced modeling of protein sequence and biophysical properties (such as structural, functional, and spatial information, amino acid conservation, physicochemical variation, residue mobility, and thermodynamic stability) performed at Invitae indicates that this missense variant is not expected to disrupt DNAH5 protein function.